The following is an entry in ClinVar:

ClinVar aggregate classification (germline): Uncertain significance (1 of 4 stars; one submission).

Conditions:
DDX23-related disorder. Also called: DDX23-related condition.

Submission:

PreventionGenetics, part of Exact Sciences
Classification: Uncertain significance for DDX23-related condition. Last evaluated: 2025-08-29. Review status: criteria provided, single submitter. Criteria: ACMG Guidelines, 2015. Collection method: clinical testing. Allele origin: germline.
Comment: The DDX23 c.2357G>A variant is predicted to result in the amino acid substitution p.Ser786Asn. To our knowledge, this variant has not been reported in the literature or in a large population database (gnomAD), indicating this variant is rare. At this time, the clinical significance of this variant is uncertain due to the absence of conclusive functional and genetic evidence.

NM_004818.3(DDX23):c.2357G>A (p.Ser786Asn)

Gene: DDX23 (DEAD-box helicase 23; minus strand). Cytogenetic location: 12q13.12.
Variant type: single nucleotide variant.
Coding change: c.2357G>A on transcript NM_004818.3 (MANE Select); coding-DNA position 2357, G replaced by A.
Protein change: p.Ser786Asn; replaces serine 786 with asparagine.
Molecular consequence: missense variant.
Genome position (GRCh38, 1-based): chr12:48,830,575, C>T on the plus strand (G>A on the coding strand, the complement: DDX23 is on the minus strand). VCF-style: chr12-48830575-C-T. GRCh37 (hg19) VCF-style: chr12-49224358-C-T.
Other names: short protein forms S786N.
Identifiers: ClinVar variation 4993629 (VCV004993629.1).